The following is an entry in ClinVar:

NM_002691.4(POLD1):c.2900T>G (p.Leu967Arg)

Gene: POLD1 (DNA polymerase delta 1, catalytic subunit; plus strand). Cytogenetic location: 19q13.33.
Variant type: single nucleotide variant.
Coding change: c.2900T>G on transcript NM_002691.4 (MANE Select); coding-DNA position 2900, T replaced by G.
Protein change: p.Leu967Arg; replaces leucine 967 with arginine.
Molecular consequence: missense variant. On other transcripts: non-coding transcript variant (1).
Genome position (GRCh38, 1-based): chr19:50,416,475, T>G. VCF-style: chr19-50416475-T-G. GRCh37 (hg19) VCF-style: chr19-50919732-T-G.
Other names: c.2900T>G, p.Leu967Arg (NM_001256849.1); c.2978T>G, p.Leu993Arg (NM_001308632.1); c.2900T>G (NM_002691.2); short protein forms L967R, L993R.
Identifiers: ClinVar variation 537067 (VCV000537067.11), dbSNP rs367920933, ClinGen allele CA309605366.
Genomic context (GRCh38, chr19:50,416,475, plus strand): 5'-AGCACAGCCTGCCCATTGACACGCAGTACTACCTGGAGCAGCAGCTGGCCAAGCCCCTCC[T>G]GCGCATCTTCGAGCCCATCCTGGGCGAGGGCCGTGCCGAGGCTGTGCTACTGCGTACGGG-3'
Protein context (NP_002682.2, residues 957-977): YLEQQLAKPL[Leu967Arg]RIFEPILGEG

ClinVar aggregate classification (germline): Uncertain significance. Review status: criteria provided, multiple submitters, no conflicts (2 of 4 stars). 3 submissions from 3 submitters: Uncertain significance (3). Last evaluated 2026-01-05.

Conditions:
Hereditary cancer-predisposing syndrome. Also called: Tumor predisposition; Neoplastic Syndromes, Hereditary; Hereditary Cancer Syndrome; Hereditary neoplastic syndrome. Identifiers: Orphanet 140162, MedGen C0027672, MeSH D009386, MONDO:0015356.
POLD1-related polyposis and colorectal cancer syndrome (CRCS10). Also called: Colorectal cancer 10; COLORECTAL CANCER, SUSCEPTIBILITY TO, ON CHROMOSOME 19q; Colorectal cancer, susceptibility to, 10. Identifiers: Orphanet 220460, MedGen C2675481, MONDO:0012953, OMIM 612591.

gnomAD v4.1: 1 of 1,551,512 alleles (0.000064%); highest among the groups gnomAD compares: Admixed American, 0.0019%; no homozygotes.

Submissions (3):

Labcorp Genetics (formerly Invitae), Labcorp
Classification: Uncertain significance for POLD1-related polyposis and colorectal cancer syndrome. Last evaluated: 2026-01-05. Review status: criteria provided, single submitter. Criteria: Invitae Variant Classification Sherloc (09022015). Collection method: clinical testing. Allele origin: germline.
Comment: This sequence change replaces leucine, which is neutral and non-polar, with arginine, which is basic and polar, at codon 967 of the POLD1 protein (p.Leu967Arg). This variant is not present in population databases (gnomAD no frequency). This variant has not been reported in the literature in individuals affected with POLD1-related conditions. ClinVar contains an entry for this variant (Variation ID: 537067). Invitae Evidence Modeling of protein sequence and biophysical properties (such as structural, functional, and spatial information, amino acid conservation, physicochemical variation, residue mobility, and thermodynamic stability) indicates that this missense variant is expected to disrupt POLD1 protein function with a positive predictive value of 80%. In summary, the available evidence is currently insufficient to determine the role of this variant in disease. Therefore, it has been classified as a Variant of Uncertain Significance.

Ambry Genetics
Classification: Uncertain significance for Hereditary cancer-predisposing syndrome. Last evaluated: 2025-08-01. Review status: criteria provided, single submitter. Criteria: Ambry Variant Classification Scheme 2023. Collection method: clinical testing. Allele origin: germline.
Comment: The p.L967R variant (also known as c.2900T>G), located in coding exon 22 of the POLD1 gene, results from a T to G substitution at nucleotide position 2900. The leucine at codon 967 is replaced by arginine, an amino acid with dissimilar properties. This amino acid position is conserved. In addition, this alteration is predicted to be tolerated by in silico analysis. Based on the available evidence, the clinical significance of this variant remains unclear.

GeneDx
Classification: Uncertain significance. Last evaluated: 2022-01-07. Review status: criteria provided, single submitter. Criteria: GeneDx Variant Classification Process June 2021. Collection method: clinical testing. Allele origin: germline. Affected: yes.
Comment: Not observed at significant frequency in large population cohorts (gnomAD); In silico analysis supports that this missense variant has a deleterious effect on protein structure/function; Has not been previously published as pathogenic or benign to our knowledge